The following is an entry in ClinVar:

NM_001145678.3(KIAA0825):c.3013T>A (p.Phe1005Ile)

Gene: KIAA0825 (KIAA0825; minus strand). Cytogenetic location: 5q15.
Variant type: single nucleotide variant.
Coding change: c.3013T>A on transcript NM_001145678.3 (MANE Select); coding-DNA position 3013, T replaced by A.
Protein change: p.Phe1005Ile; replaces phenylalanine 1005 with isoleucine.
Molecular consequence: missense variant. On other transcripts: non-coding transcript variant (1).
Genome position (GRCh38, 1-based): chr5:94,396,384, A>T on the plus strand (T>A on the coding strand, the complement: KIAA0825 is on the minus strand). VCF-style: chr5-94396384-A-T. GRCh37 (hg19) VCF-style: chr5-93732089-A-T.
Other names: c.3028T>A, p.Phe1010Ile (NM_001385712.1, NM_001385713.1, NM_001388325.1); short protein forms F1005I, F1010I.
Identifiers: ClinVar variation 3041143 (VCV003041143.2), dbSNP rs185381772, ClinGen allele CA3344008.

ClinVar aggregate classification (germline): Likely benign (0 of 4 stars; one submission).

Conditions:
KIAA0825-related disorder. Also called: KIAA0825-related condition.

Allele frequency attached by ClinVar (database versions not stated): gnomAD exomes 0.00037; ExAC 0.00070; gnomAD 0.00075; 1000 Genomes Project 0.00100; TOPMed 0.00105; 1000 Genomes Project 30x 0.00125.
gnomAD v4.1: 630 of 1,550,308 alleles (0.041%); highest among the groups gnomAD compares: Admixed American, 0.34%; no homozygotes.

Submission:

PreventionGenetics, part of Exact Sciences
Classification: Likely benign for KIAA0825-related condition. Last evaluated: 2023-02-16. Review status: no assertion criteria provided. Collection method: clinical testing. Allele origin: germline.
Comment: This variant is classified as likely benign based on ACMG/AMP sequence variant interpretation guidelines (Richards et al. 2015 PMID: 25741868, with internal and published modifications).